The following is an entry in ClinVar:

NC_000004.12:g.(?_102650517)_(102726703_?)del

Gene: MANBA (mannosidase beta; minus strand). Cytogenetic location: 4q24.
Variant type: Deletion.
Identifiers: ClinVar variation 832905 (VCV000832905.3).

ClinVar aggregate classification (germline): Uncertain significance (1 of 4 stars; one submission).

Conditions:
Beta-D-mannosidosis (MANSB). Also called: MANNOSIDOSIS, BETA A, LYSOSOMAL; BETA-MANNOSIDASE DEFICIENCY; LYSOSOMAL BETA-MANNOSIDASE DEFICIENCY; Beta-Mannosidosis. Identifiers: Orphanet 118, MedGen C4048196, MONDO:0009562, OMIM 248510.

Submission:

Labcorp Genetics (formerly Invitae), Labcorp
Classification: Uncertain significance for Beta-D-mannosidosis. Last evaluated: 2022-08-23. Review status: criteria provided, single submitter. Criteria: Invitae Variant Classification Sherloc (09022015). Collection method: clinical testing. Allele origin: germline.
Comment: This variant is a gross deletion of the genomic region encompassing exon(s) 2-13 of the MANBA gene. This variant would be expected to be in-frame, preserving the integrity of the reading frame. In summary, the available evidence is currently insufficient to determine the role of this variant in disease. Therefore, it has been classified as a Variant of Uncertain Significance. Experimental studies and prediction algorithms are not available or were not evaluated, and the functional significance of this variant is currently unknown. This variant has not been reported in the literature in individuals affected with MANBA-related conditions.